The following is an entry in ClinVar:

ClinVar aggregate classification (germline): Uncertain significance (1 of 4 stars; one submission).

Conditions:
POLD1-related polyposis and colorectal cancer syndrome (CRCS10). Also called: Colorectal cancer 10; COLORECTAL CANCER, SUSCEPTIBILITY TO, ON CHROMOSOME 19q; Colorectal cancer, susceptibility to, 10. Identifiers: Orphanet 220460, MedGen C2675481, MONDO:0012953, OMIM 612591.

Submission:

Labcorp Genetics (formerly Invitae), Labcorp
Classification: Uncertain significance for POLD1-related polyposis and colorectal cancer syndrome. Last evaluated: 2020-02-04. Review status: criteria provided, single submitter. Criteria: Invitae Variant Classification Sherloc (09022015). Collection method: clinical testing. Allele origin: germline.
Comment: In summary, the available evidence is currently insufficient to determine the role of this variant in disease. Therefore, it has been classified as a Variant of Uncertain Significance. Experimental studies and prediction algorithms are not available or were not evaluated, and the functional significance of this variant is currently unknown. This variant has not been reported in the literature in individuals with POLD1-related conditions. This variant is not present in population databases (ExAC no frequency). This variant, c.166_171dup, results in the insertion of 2 amino acid(s) to the POLD1 protein (p.Glu56_Glu57dup), but otherwise preserves the integrity of the reading frame.

NM_002691.4(POLD1):c.160GAG[6] (p.Glu56_Glu57dup)

Gene: POLD1 (DNA polymerase delta 1, catalytic subunit; plus strand). Cytogenetic location: 19q13.33.
Variant type: Microsatellite.
Coding change: c.160GAG[6] on transcript NM_002691.4 (MANE Select); six copies in a row of the 3-base unit GAG starting at c.160; the reference has four copies in a row; two copies, 6 bases duplicated.
Protein change: p.Glu56_Glu57dup.
Molecular consequence: inframe insertion. On other transcripts: non-coding transcript variant (1).
Genome position (GRCh38, 1-based): chr19:50,399,017-50,399,022, GAGGAG duplicated; duplicating any 6 consecutive bases within chr19:50,399,009-50,399,022 gives the same sequence; the position shown is the placement nearest the transcript's 3' end. VCF-style (leftmost placement, unchanged base first): chr19-50399008-C-CAGGAGG. GRCh37 (hg19) VCF-style: chr19-50902265-C-CAGGAGG.
Other names: c.160GAG[6], p.Glu56_Glu57dup (NM_001256849.1, NM_001308632.1).
Identifiers: ClinVar variation 1045079 (VCV001045079.9), dbSNP rs766482335, ClinGen allele CA2340880708.